The following is an entry in ClinVar:

ClinVar aggregate classification (germline): Uncertain significance (1 of 4 stars; one submission).

Conditions:
Sulfite oxidase deficiency due to molybdenum cofactor deficiency type C. Also called: Molybdenum cofactor deficiency, complementation group C; Molybdenum cofactor deficiency C. Identifiers: Orphanet 308400, Orphanet 833, MedGen C1854990, MONDO:0014212, OMIM 615501.

Submission:

Labcorp Genetics (formerly Invitae), Labcorp
Classification: Uncertain significance for Sulfite oxidase deficiency due to molybdenum cofactor deficiency type C. Last evaluated: 2020-10-08. Review status: criteria provided, single submitter. Criteria: Invitae Variant Classification Sherloc (09022015). Collection method: clinical testing. Allele origin: germline.
Comment: In summary, the available evidence is currently insufficient to determine the role of this variant in disease. Therefore, it has been classified as a Variant of Uncertain Significance. Nucleotide substitutions within the consensus splice site are a relatively common cause of aberrant splicing (PMID: 17576681, 9536098). Algorithms developed to predict the effect of sequence changes on RNA splicing suggest that this variant may disrupt the consensus splice site, but this prediction has not been confirmed by published transcriptional studies. Algorithms developed to predict the effect of missense changes on protein structure and function are either unavailable or do not agree on the potential impact of this missense change (SIFT: "Deleterious"; PolyPhen-2: "Probably Damaging"; Align-GVGD: "Class C0"). This variant has not been reported in the literature in individuals with GPHN-related conditions. This variant is not present in population databases (ExAC no frequency). This sequence change replaces glycine with serine at codon 726 of the GPHN protein (p.Gly726Ser). The glycine residue is highly conserved and there is a small physicochemical difference between glycine and serine. This variant also falls at the last nucleotide of exon 22 of the GPHN coding sequence, which is part of the consensus splice site for this exon.

Literature cited by the submitters: PubMed 17576681; PubMed 9536098.

NM_020806.5(GPHN):c.2176G>A (p.Gly726Ser)

Gene: GPHN (gephyrin; plus strand). Cytogenetic location: 14q23.3.
Variant type: single nucleotide variant.
Coding change: c.2176G>A on transcript NM_020806.5 (MANE Select); coding-DNA position 2176, G replaced by A.
Protein change: p.Gly726Ser; replaces glycine 726 with serine.
Molecular consequence: missense variant.
Genome position (GRCh38, 1-based): chr14:67,179,674, G>A. VCF-style: chr14-67179674-G-A. GRCh37 (hg19) VCF-style: chr14-67646391-G-A.
Other names: c.2077G>A, p.Gly693Ser (NM_001024218.2); c.2236G>A, p.Gly746Ser (NM_001377514.1); c.2206G>A, p.Gly736Ser (NM_001377515.1); c.2197G>A, p.Gly733Ser (NM_001377516.1); c.2149G>A, p.Gly717Ser (NM_001377517.1); c.2134G>A, p.Gly712Ser (NM_001377518.1); c.2116G>A, p.Gly706Ser (NM_001377519.1); short protein forms G693S, G706S, G712S, G717S, G726S, G733S, G736S, G746S.
Identifiers: ClinVar variation 1007857 (VCV001007857.8), dbSNP rs2083216874, ClinGen allele CA390122467.